The following is an entry in ClinVar:

NM_198428.3(BBS9):c.855del (p.Asp284_Trp285insTer)

Gene: BBS9 (Bardet-Biedl syndrome 9; plus strand). Cytogenetic location: 7p14.3.
Variant type: Deletion.
Coding change: c.855del on transcript NM_198428.3 (MANE Select); coding-DNA position 855, one base deleted (G; older notation c.855delG).
Protein change: p.Asp284_Trp285insTer.
Molecular consequence: nonsense. On other transcripts: non-coding transcript variant (3).
Genome position (GRCh38, 1-based): chr7:33,273,164, G deleted; the last of 2 consecutive G bases (chr7:33,273,163-33,273,164); deleting either gives the same sequence. VCF-style (leftmost placement, unchanged base first): chr7-33273162-TG-T. GRCh37 (hg19) VCF-style: chr7-33312774-TG-T.
Other names: c.855delG (NM_198428.3); c.855del, p.Asp284_Trp285insTer (NM_001362679.1, NM_014451.4, NM_001348043.3 and 5 more transcripts); c.720del, p.Asp239_Trp240insTer (NM_001348042.3); c.489del, p.Asp162_Trp163insTer (NM_001348044.3, NM_001348045.3, NM_001348046.3 and 1 more transcripts); c.582del, p.Asp193_Trp194insTer (NM_001348038.3, NM_001348039.3).
Identifiers: ClinVar variation 1075150 (VCV001075150.28), dbSNP rs2128345173, ClinGen allele CA2499218875.
Genomic context (GRCh38, chr7:33,273,162, plus strand): 5'-GAGAGAAACTTTTTTTGCCTTAAGGATAATGGACAAATTCGATTCATGAAGAAGCTTGAT[TG>T]GAGCCCAAGTTGTTTTCTGCCATATTGCTCAGGTGTGTAGAAAGATTTTCTTTTATCTCT-3'

ClinVar aggregate classification (germline): Pathogenic/Likely pathogenic. Review status: criteria provided, multiple submitters, no conflicts (2 of 4 stars). 2 submissions from 2 submitters: Pathogenic (1); Likely pathogenic (1). Last evaluated 2022-06-27.

Conditions:
Bardet-Biedl syndrome (BBS). Identifiers: Orphanet 110, MedGen C0752166, MONDO:0015229.
Abnormality of the eye. Identifiers: MedGen C4316870, HP:0000478.

Submissions (2):

Labcorp Genetics (formerly Invitae), Labcorp
Classification: Pathogenic for Bardet-Biedl syndrome. Last evaluated: 2022-06-27. Review status: criteria provided, single submitter. Criteria: Invitae Variant Classification Sherloc (09022015). Collection method: clinical testing. Allele origin: germline.
Comment: For these reasons, this variant has been classified as Pathogenic. ClinVar contains an entry for this variant (Variation ID: 1075150). This variant has not been reported in the literature in individuals affected with BBS9-related conditions. This variant is not present in population databases (gnomAD no frequency). This sequence change creates a premature translational stop signal (p.Trp285*) in the BBS9 gene. It is expected to result in an absent or disrupted protein product. Loss-of-function variants in BBS9 are known to be pathogenic (PMID: 16380913, 20177705).

Kariminejad - Najmabadi Pathology & Genetics Center
Classification: Likely pathogenic for Abnormality of the eye. Last evaluated: 2021-07-10. Review status: criteria provided, single submitter. Criteria: ACMG Guidelines, 2015. Collection method: clinical testing. Allele origin: germline. Affected: yes.

Literature cited by the submitters: PubMed 16380913 (cited by Labcorp Genetics (formerly Invitae), Labcorp); PubMed 20177705 (cited by Labcorp Genetics (formerly Invitae), Labcorp).